The following is an entry in ClinVar:

NM_198076.6(COX20):c.157+3G>C

Gene: COX20 (cytochrome c oxidase assembly factor COX20; plus strand). Cytogenetic location: 1q44.
Variant type: single nucleotide variant.
Coding change: c.157+3G>C on transcript NM_198076.6 (MANE Select); 3 bases into the intron after coding-DNA position 157, G replaced by C.
Molecular consequence: intron variant.
Genome position (GRCh38, 1-based): chr1:244,842,061, G>C. VCF-style: chr1-244842061-G-C. GRCh37 (hg19) VCF-style: chr1-245005363-G-C.
Other names: p.?; IVS2, G-C, +3; c.193+3G>C (NM_001312872.1); c.157+3G>C (NM_001312874.1, NM_001312871.1); c.23-134G>C (NM_001312873.1).
Identifiers: ClinVar variation 380082 (VCV000380082.36), dbSNP rs367956888, ClinGen allele CA1486102.
Genomic context (GRCh38, chr1:244,842,061, plus strand): 5'-ATATTGTATGGTTCATTAGGATCTGTTGTGGCTGGCTTTGGACATTTTTTGTTCACTAGT[G>C]AGTATCTGTATTTTTTATTTCTCTATGTACTAAAAAAAGCATTTCTCTACATAATGAACT-3'

ClinVar aggregate classification (germline): Pathogenic/Likely pathogenic. Review status: criteria provided, multiple submitters, no conflicts (2 of 4 stars). 21 submissions from 20 submitters: Pathogenic (10); Likely pathogenic (7). 4 of the submissions do not count toward it. Last evaluated 2026-09-01.

Conditions:
COX20-related disorders.
COX20-related disorder. Also called: COX20-related condition.
Mitochondrial complex IV deficiency, nuclear type 11. Also called: Mitochondrial complex 4 deficiency, nuclear type 11. Identifiers: MedGen C5436694, MONDO:0033645, OMIM 619054.
Mitochondrial complex IV deficiency, nuclear type 1 (MC4DN1). Also called: COX DEFICIENCY; Mitochondrial complex IV deficiency; Complex 4 mitochondrial respiratory chain deficiency; Deficiency of mitochondrial respiratory chain complex4; Complex IV deficiency. Identifiers: MedGen C5435656, MONDO:0700250, OMIM 220110. Disease mechanism: loss of function.

Allele frequency attached by ClinVar (database versions not stated): gnomAD 0.00063 and 0.00066; TOPMed 0.00065; ESP Exome Variant Server 0.00038; ExAC 0.00057.
gnomAD v4.1: 1,391 of 1,587,306 alleles (0.088%); highest among the groups gnomAD compares: Non-Finnish European, 0.11%; no homozygotes.

Submissions 1 to 11 of 31:

CeGaT Center for Human Genetics Tuebingen
Classification: Likely pathogenic. Last evaluated: 2026-09-01. Review status: criteria provided, single submitter. Criteria: CeGaT Center For Human Genetics Tuebingen Variant Classification Criteria Version 2. Collection method: clinical testing. Allele origin: germline. Affected: yes. Observed: 1 variant allele.
Comment: COX20: PM3:Strong, PM2, PP1, PP3

Dasa
Classification: Pathogenic. Last evaluated: 2026-04-15. Review status: criteria provided, single submitter. Criteria: DASA Assertion Criteria. Collection method: clinical testing. Allele origin: germline.
Comment: NM_198076.6(COX20):c.157+3G>C is a splice-region variant predicted to affect normal RNA splicing. Segregation data support an association with disease in the reported family/families. This variant has been recurrently observed in individuals with COX20-related disorders (PMID: 30656193; PMID: 32827528; PMID: 32999401). Functional evidence supports an impact on the gene or gene product (PMID: 30656193). Also, this variant is rare in population databases. Computational evidence supports a deleterious effect. Based on the currently available evidence, this variant is classified as pathogenic.

PreventionGenetics, part of Exact Sciences
Classification: Pathogenic for COX20-related condition. Last evaluated: 2026-04-09. Review status: criteria provided, single submitter. Criteria: ACMG Guidelines, 2015. Collection method: clinical testing. Allele origin: germline.
Comment: The COX20 c.157+3G>C variant is predicted to interfere with splicing. This variant has been reported in the compound heterozygous state in several individuals with COX20‐related sensory neuropathy (Otero et al. 2019. PubMed ID: 30656193; Naess et al. 2020. PubMed ID: 32827528; Chakravorty et al. 2020. PubMed ID: 32999401). Expression analysis of patient fibroblasts demonstrated a truncated transcript and no detectable COX20 protein (Otero et al. 2019. PubMed ID: 30656193). This variant is reported in 0.11% of alleles in individuals of European (non-Finnish) descent in gnomAD. This variant has been consistently classified as pathogenic/likely pathogenic by several laboratories in the ClinVar database (Variation ID: 380082). This variant is interpreted as pathogenic.

Labcorp Genetics (formerly Invitae), Labcorp
Classification: Likely pathogenic. Last evaluated: 2025-12-30. Review status: criteria provided, single submitter. Criteria: Invitae Variant Classification Sherloc (09022015). Collection method: clinical testing. Allele origin: germline.
Comment: This sequence change falls in intron 2 of the COX20 gene. It does not directly change the encoded amino acid sequence of the COX20 protein. It affects a nucleotide within the consensus splice site. This variant is present in population databases (rs367956888, gnomAD 0.1%), and has an allele count higher than expected for a pathogenic variant. This variant has been observed in individuals with clinical features of mitochondrial complex IV deficiency (PMID: 30656193, 32827528, 32999401). It has also been observed to segregate with disease in related individuals. ClinVar contains an entry for this variant (Variation ID: 380082). Studies have shown that this variant alters COX20 gene expression (PMID: 30656193). Variants that disrupt the consensus splice site are a relatively common cause of aberrant splicing (PMID: 17576681, 9536098). Algorithms developed to predict the effect of sequence changes on RNA splicing suggest that this variant may disrupt the consensus splice site. In summary, the currently available evidence indicates that the variant is pathogenic, but additional data are needed to prove that conclusively. Therefore, this variant has been classified as Likely Pathogenic.

Greenwood Genetic Center Diagnostic Laboratories, Greenwood Genetic Center
Classification: Pathogenic for Mitochondrial complex IV deficiency, nuclear type 11. Last evaluated: 2025-12-19. Review status: criteria provided, single submitter. Criteria: ACMG Guidelines, 2015. Collection method: clinical testing. Allele origin: germline. Affected: yes.
Comment: PM3_Strong, PS3_Very Strong

GeneDx
Classification: Likely pathogenic. Last evaluated: 2025-09-19. Review status: criteria provided, single submitter. Criteria: GeneDx Variant Classification Process June 2021. Collection method: clinical testing. Allele origin: germline. Affected: yes.
Comment: Published mRNA and protein analysis in fibroblasts from an individual with this variant demonstrated an absence of full-length mRNA and COX20 protein (PMID: 30656193); In silico analysis supports a deleterious effect on splicing; This variant is associated with the following publications: (PMID: 32999401, 32606554, 32827528, 30656193, 37095481, 35651336)

Women's Health and Genetics/Laboratory Corporation of America, LabCorp
Classification: Pathogenic for Mitochondrial complex IV deficiency, nuclear type 11. Last evaluated: 2025-07-17. Review status: criteria provided, single submitter. Criteria: LabCorp Variant Classification Summary - May 2015. Collection method: clinical testing. Allele origin: germline.
Comment: Variant summary: COX20 c.157+3G>C alters a conserved nucleotide located close to a canonical splice site and therefore could affect mRNA splicing, leading to a significantly altered protein sequence. Several computational tools predict a significant impact on normal splicing: Three predict the variant abolishes a canonical 5' splicing donor site. This impact on normal splicing was confirmed experimentally using fibroblasts from a compound heterozygous patient: only mRNA transcripts missing exon 2 could be detected, and full length COX20 mRNA transcripts were completely absent (Otero_2019). Furthermore, no protein products could be detected from these same patient fibroblasts, indicating a complete loss of protein product. The variant allele was found at a frequency of 0.00057 in 249980 control chromosomes (gnomAD). This frequency is not significantly higher than estimated for a pathogenic variant in COX20 causing Mitochondrial Complex 4 Deficiency, Nuclear Type 11, allowing no conclusion about variant significance. c.157+3G>C has been observed as a biallelic genotype in multiple individuals affected with Mitochondrial Complex 4 Deficiency, Nuclear Type 11 (e.g., Otero_2019, Chakravorty_2020, Naess_2021). These data indicate that the variant is very likely to be associated with disease. The following publications have been ascertained in the context of this evaluation (PMID: 32999401, 32827528, 30656193). ClinVar contains an entry for this variant (Variation ID: 380082). Based on the evidence outlined above, the variant was classified as pathogenic.

First Genomix Gene Laboratory, Genetic Diagnostics Department
Classification: Pathogenic for Mitochondrial complex IV deficiency, nuclear type 11. Last evaluated: 2025-05-26. Review status: criteria provided, single submitter. Criteria: ACMG Guidelines, 2015. Collection method: clinical testing. Allele origin: germline. Inheritance: Autosomal recessive inheritance. Affected: no. Observed: 1 variant allele.

Revvity Omics, Revvity
Classification: Likely pathogenic for Mitochondrial complex IV deficiency, nuclear type 11. Last evaluated: 2025-04-01. Review status: criteria provided, single submitter. Criteria: ACMG Guidelines, 2015. Collection method: clinical testing. Allele origin: germline.

Laboratory of Genetics, Children's Clinical University Hospital Latvia
Classification: Pathogenic. Last evaluated: 2025-02-16. Review status: criteria provided, single submitter. Criteria: ACMG Guidelines, 2015. Collection method: clinical testing. Allele origin: germline. Affected: yes.

Blueprint Genetics
Classification: Pathogenic for COX20-related disorders. Last evaluated: 2024-11-25. Review status: criteria provided, single submitter. Criteria: ACMG Guidelines, 2015. Collection method: clinical testing. Allele origin: germline. Affected: yes. Observed: 5 variant alleles.